The following is an entry in ClinVar:

ClinVar aggregate classification (germline): Benign/Likely benign. Review status: criteria provided, multiple submitters, no conflicts (2 of 4 stars). 4 submissions from 4 submitters: Benign (1); Likely benign (3). Last evaluated 2025-01-07.

Conditions:
Wolfram syndrome 1 (WFS1). Identifiers: Orphanet 3463, MedGen C4551693, MONDO:0009101, OMIM 222300.
Wolfram-like syndrome. Also called: HEARING LOSS, PROGRESSIVE, WITH OPTIC ATROPHY AND/OR IMPAIRED GLUCOSE REGULATION. Identifiers: Orphanet 411590, MedGen C3280358, MONDO:0013673, OMIM 614296.
Cataract 41 (CTRCT41). Also called: CATARACT 41, CONGENITAL NUCLEAR TYPE. Identifiers: Orphanet 91492, Orphanet 98991, Orphanet 98992, Orphanet 98995, MedGen C3805412, MONDO:0007287, OMIM 116400.
Autosomal dominant nonsyndromic hearing loss 6 (LFSNHL). Also called: Autosomal dominant nonsyndromic deafness 6; DEAFNESS, AUTOSOMAL DOMINANT 6; DEAFNESS, AUTOSOMAL DOMINANT 14; DEAFNESS, AUTOSOMAL DOMINANT 38. Identifiers: Orphanet 90635, MedGen C1833021, MONDO:0010963, OMIM 600965.
Type 2 diabetes mellitus. Also called: Type II diabetes mellitus. Identifiers: MedGen C0011860, MeSH D003924, MONDO:0005148, OMIM 125853, HP:0005978.

Allele frequency attached by ClinVar (database versions not stated): gnomAD below 0.00001 and 0.00003; gnomAD exomes 0.00004 and 0.00009; ExAC 0.00009.
gnomAD v4.1: 58 of 1,614,060 alleles (0.0036%); highest among the groups gnomAD compares: South Asian, 0.063%; 1 homozygote.

Submissions (4):

Labcorp Genetics (formerly Invitae), Labcorp
Classification: Likely benign. Last evaluated: 2025-01-07. Review status: criteria provided, single submitter. Criteria: Invitae Variant Classification Sherloc (09022015). Collection method: clinical testing. Allele origin: germline.

Blueprint Genetics
Classification: Likely benign. Last evaluated: 2023-03-24. Review status: criteria provided, single submitter. Criteria: ACMG Guidelines, 2015. Collection method: clinical testing. Allele origin: germline.

Fulgent Genetics
Classification: Likely benign for Cataract 41; Type 2 diabetes mellitus; Wolfram syndrome 1; Autosomal dominant nonsyndromic hearing loss 6; Wolfram-like syndrome. Last evaluated: 2022-01-17. Review status: criteria provided, single submitter. Criteria: ACMG Guidelines, 2015. Collection method: clinical testing. Allele origin: unknown.

Clinical Genomics, Uppaluri K&H Personalized Medicine Clinic
Classification: Benign for Wolfram syndrome 1. Review status: criteria provided, single submitter. Criteria: K & H Uppaluri Personalized Medicine Clinic Variant Classification & Assertion Criteria_Updated V.1. Collection method: research. Allele origin: unknown. Inheritance: Autosomal recessive inheritance.
Comment: Potent mutations in WFS1 gene are associated with Wolfram's syndrome, an autosomal recessive condition, which cause diabetes mellitus, diabetes insipidus, deafness and optic atrophy.However no sufficient evidence is found to ascertain the role of this particular variant rs760897070 in Wolfram's syndrome yet.

Literature cited by the submitters: PubMed 20738327 (cited by Clinical Genomics, Uppaluri K&H Personalized Medicine Clinic); PubMed 33879153 (cited by Clinical Genomics, Uppaluri K&H Personalized Medicine Clinic); PubMed 12955714 (cited by Clinical Genomics, Uppaluri K&H Personalized Medicine Clinic); PubMed 18060660 (cited by Clinical Genomics, Uppaluri K&H Personalized Medicine Clinic); PubMed 20301750 (cited by Clinical Genomics, Uppaluri K&H Personalized Medicine Clinic); PubMed 17603484 (cited by Clinical Genomics, Uppaluri K&H Personalized Medicine Clinic).

NM_006005.3(WFS1):c.1233T>G (p.Ser411=)

Gene: WFS1 (wolframin ER transmembrane glycoprotein; plus strand). Cytogenetic location: 4p16.1.
Variant type: single nucleotide variant.
Coding change: c.1233T>G on transcript NM_006005.3 (MANE Select); coding-DNA position 1233, T replaced by G.
Protein change: p.Ser411=; no amino-acid change (serine 411 retained).
Molecular consequence: synonymous variant.
Genome position (GRCh38, 1-based): chr4:6,301,028, T>G. VCF-style: chr4-6301028-T-G. GRCh37 (hg19) VCF-style: chr4-6302755-T-G.
Other names: c.1233T>G, p.Ser411= (NM_001145853.1).
Identifiers: ClinVar variation 724524 (VCV000724524.11), dbSNP rs760897070, ClinGen allele CA2839275.
Genomic context (GRCh38, chr4:6,301,028, plus strand): 5'-GCAGGCCGAGGTCAACTTCGGCTGGAACCACCTGGAGCCCTATGCCCATTTCCTGCTCTC[T>G]GTCTTCTTCGTCATCTTCTCCTTCCCCATCGCCAGCAAGGACTGCATCCCCTGCTCGGAG-3'
Protein context (NP_005996.2, residues 401-421): HLEPYAHFLL[Ser411=]VFFVIFSFPI